The following is an entry in ClinVar:

NM_000302.4(PLOD1):c.1567G>A (p.Val523Met)

Gene: PLOD1 (procollagen-lysine,2-oxoglutarate 5-dioxygenase 1; plus strand). Cytogenetic location: 1p36.22.
Variant type: single nucleotide variant.
Coding change: c.1567G>A on transcript NM_000302.4 (MANE Select); coding-DNA position 1567, G replaced by A.
Protein change: p.Val523Met; replaces valine 523 with methionine.
Molecular consequence: missense variant.
Genome position (GRCh38, 1-based): chr1:11,965,576, G>A. VCF-style: chr1-11965576-G-A. GRCh37 (hg19) VCF-style: chr1-12025633-G-A.
Other names: c.1708G>A, p.Val570Met (NM_001316320.2); short protein forms V523M, V570M.
Identifiers: ClinVar variation 3420929 (VCV003420929.1).
Genomic context (GRCh38, chr1:11,965,576, plus strand): 5'-GGCCATCTGCTCTCCCTAGACAGCTACCGCACCACCCACCTGCACAACGACCTCTGGGAG[G>A]TGTTCAGCAACCCCGAGGTGAGGCCAGGGTGGGCACATAGGGGCTGGGAGCAAAGGGGCC-3'
Protein context (NP_000293.2, residues 513-533): TTHLHNDLWE[Val523Met]FSNPEDWKEK

ClinVar aggregate classification (germline): Uncertain significance (1 of 4 stars; one submission).

Conditions:
Familial thoracic aortic aneurysm and aortic dissection (TAAD). Also called: Thoracic aortic aneurysms and dissections. Identifiers: Orphanet 91387, MedGen C4707243, MONDO:0019625.

Submission:

Ambry Genetics
Classification: Uncertain significance for Familial thoracic aortic aneurysm and aortic dissection. Last evaluated: 2024-09-24. Review status: criteria provided, single submitter. Criteria: Ambry Variant Classification Scheme 2023. Collection method: clinical testing. Allele origin: germline.
Comment: The p.V523M variant (also known as c.1567G>A), located in coding exon 14 of the PLOD1 gene, results from a G to A substitution at nucleotide position 1567. The valine at codon 523 is replaced by methionine, an amino acid with highly similar properties. This amino acid position is conserved. In addition, the in silico prediction for this alteration is inconclusive. Based on the available evidence, the clinical significance of this variant remains unclear.